The following is an entry in ClinVar:

ClinVar aggregate classification (germline): Uncertain significance (1 of 4 stars; one submission).

Submission:

GeneDx
Classification: Uncertain significance. Last evaluated: 2023-06-08. Review status: criteria provided, single submitter. Criteria: GeneDx Variant Classification Process June 2021. Collection method: clinical testing. Allele origin: germline. Affected: yes.
Comment: Not observed at significant frequency in large population cohorts (gnomAD); Frameshift variant predicted to result in protein truncation or nonsense mediated decay in a gene or region of a gene for which loss of function is not a well-established mechanism of disease; Has not been previously published as pathogenic or benign to our knowledge

NM_020795.4(NLGN2):c.248_273del (p.Arg83fs)

Gene: NLGN2 (neuroligin 2; plus strand). Cytogenetic location: 17p13.1.
Variant type: Deletion.
Coding change: c.248_273del on transcript NM_020795.4 (MANE Select); coding-DNA positions 248 to 273, 26 bases deleted (GCTTCCAGCCGCCTGAGGCGCCCGCC).
Protein change: p.Arg83fs; shifts the reading frame from arginine 83.
Molecular consequence: frameshift variant.
Genome position (GRCh38, 1-based): chr17:7,408,503-7,408,528, GCTTCCAGCCGCCTGAGGCGCCCGCC deleted; deleting any 26 consecutive bases within chr17:7,408,493-7,408,528 gives the same sequence; the c. name uses the placement nearest the transcript's 3' end. VCF-style (leftmost placement, unchanged base first): chr17-7408492-GGGCGCCCGCCGCTTCCAGCCGCCTGA-G. GRCh37 (hg19) VCF-style: chr17-7311811-GGGCGCCCGCCGCTTCCAGCCGCCTGA-G.
Other names: short protein forms R83fs.
Identifiers: ClinVar variation 3359377 (VCV003359377.1).